The following is an entry in ClinVar:

NM_020987.5(ANK3):c.11825A>G (p.Lys3942Arg)

Gene: ANK3 (ankyrin 3; minus strand). Cytogenetic location: 10q21.2.
Variant type: single nucleotide variant.
Coding change: c.11825A>G on transcript NM_020987.5 (MANE Select); coding-DNA position 11825, A replaced by G.
Protein change: p.Lys3942Arg; replaces lysine 3942 with arginine.
Molecular consequence: missense variant. On other transcripts: intron variant (4).
Genome position (GRCh38, 1-based): chr10:60,069,056, T>C on the plus strand (A>G on the coding strand, the complement: ANK3 is on the minus strand). VCF-style: chr10-60069056-T-C. GRCh37 (hg19) VCF-style: chr10-61828814-T-C.
Other names: c.4388-1047A>G (NM_001204403.2); c.4409-1047A>G (NM_001204404.2); c.4406-1047A>G (NM_001320874.2); c.1808-1047A>G (NM_001149.4); short protein forms K3942R.
Identifiers: ClinVar variation 210142 (VCV000210142.37), dbSNP rs148549519, ClinGen allele CA205263.

ClinVar aggregate classification (germline): Conflicting classifications of pathogenicity. Review status: criteria provided, conflicting classifications (1 of 4 stars). 5 submissions from 5 submitters: Uncertain significance (4); Likely benign (1). Last evaluated 2026-04-29.

Conditions:
Intellectual developmental disorder, autosomal recessive 37. Also called: Intellectual disability-hypotonia-spasticity-sleep disorder syndrome. Identifiers: Orphanet 356996, MedGen C3809672, MONDO:0014210, OMIM 615493.

Allele frequency attached by ClinVar (database versions not stated): 1000 Genomes Project 0.00040; 1000 Genomes Project 30x 0.00047; gnomAD exomes 0.00084 and 0.00149; ExAC 0.00091; ESP Exome Variant Server 0.00092; gnomAD 0.00110 and 0.00116; TOPMed 0.00127.
gnomAD v4.1: 2,337 of 1,614,112 alleles (0.14%); highest among the groups gnomAD compares: Non-Finnish European, 0.18%; 1 homozygote.

Submissions (5):

GeneDx
Classification: Uncertain significance. Last evaluated: 2026-04-29. Review status: criteria provided, single submitter. Criteria: GeneDx Variant Classification Process June 2021. Collection method: clinical testing. Allele origin: germline.
Comment: In silico analysis suggests that this missense variant does not alter protein structure/function; This variant is associated with the following publications: (PMID: 22966748)

Labcorp Genetics (formerly Invitae), Labcorp
Classification: Uncertain significance. Last evaluated: 2025-10-15. Review status: criteria provided, single submitter. Criteria: Invitae Variant Classification Sherloc (09022015). Collection method: clinical testing. Allele origin: germline.
Comment: This sequence change replaces lysine, which is basic and polar, with arginine, which is basic and polar, at codon 3942 of the ANK3 protein (p.Lys3942Arg). This variant is present in population databases (rs148549519, gnomAD 0.1%), and has an allele count higher than expected for a pathogenic variant. This variant has not been reported in the literature in individuals affected with ANK3-related conditions. ClinVar contains an entry for this variant (Variation ID: 210142). An algorithm developed to predict the effect of missense changes on protein structure and function outputs the following: PolyPhen-2: "Benign". The arginine amino acid residue is found in multiple mammalian species, which suggests that this missense change does not adversely affect protein function. In summary, the available evidence is currently insufficient to determine the role of this variant in disease. Therefore, it has been classified as a Variant of Uncertain Significance.

CeGaT Center for Human Genetics Tuebingen
Classification: Likely benign. Last evaluated: 2024-07-01. Review status: criteria provided, single submitter. Criteria: CeGaT Center For Human Genetics Tuebingen Variant Classification Criteria Version 2. Collection method: clinical testing. Allele origin: germline. Affected: yes. Observed: 2 variant alleles.
Comment: ANK3: BP4

Fulgent Genetics
Classification: Uncertain significance for Intellectual developmental disorder, autosomal recessive 37. Last evaluated: 2018-10-31. Review status: criteria provided, single submitter. Criteria: ACMG Guidelines, 2015. Collection method: clinical testing. Allele origin: unknown.

Genetic Services Laboratory, University of Chicago
Classification: Uncertain significance. Last evaluated: 2015-04-22. Review status: criteria provided, single submitter. Criteria: ACMG Guidelines, 2015. Collection method: clinical testing. Allele origin: germline.